The following is an entry in ClinVar:

ClinVar aggregate classification (germline): Benign. Review status: criteria provided, multiple submitters, no conflicts (2 of 4 stars). 5 submissions from 4 submitters: Benign (5). Last evaluated 2026-02-01.

Conditions:
Renal tubular dysgenesis. Also called: Renotubular dysgenesis. Identifiers: Orphanet 3033, MedGen C0266313, MONDO:0017609, HP:0008660.
Familial juvenile hyperuricemic nephropathy type 2 (ADTKD4). Also called: EARLY-ONSET HYPERURICEMIA, ANEMIA, AND PROGRESSIVE KIDNEY FAILURE; Autosomal Dominant Tubulointerstitial Kidney Disease – REN. Identifiers: Orphanet 217330, MedGen C2751310, MONDO:0013128, OMIM 613092.

Allele frequency attached by ClinVar (database versions not stated): gnomAD exomes 0.00081 and 0.00219; ExAC 0.00271; gnomAD 0.00816 and 0.00866; TOPMed 0.00870; ESP Exome Variant Server 0.00938; 1000 Genomes Project 30x 0.00953; 1000 Genomes Project 0.00958.
gnomAD v4.1: 2,487 of 1,614,178 alleles (0.15%); highest among the groups gnomAD compares: African/African-American, 2.8%; 37 homozygotes.

Submissions (5):

Labcorp Genetics (formerly Invitae), Labcorp
Classification: Benign. Last evaluated: 2026-02-01. Review status: criteria provided, single submitter. Criteria: Invitae Variant Classification Sherloc (09022015). Collection method: clinical testing. Allele origin: germline.

Mayo Clinic Laboratories, Mayo Clinic
Classification: Benign. Last evaluated: 2025-10-15. Review status: criteria provided, single submitter. Criteria: ACMG Guidelines, 2015. Collection method: clinical testing. Allele origin: germline. Observed: 1 variant allele.
Comment: BS1, BS2, BP4, BP7

Illumina Laboratory Services, Illumina
Classification: Benign for Renal tubular dysgenesis of genetic origin. Last evaluated: 2018-01-12. Review status: criteria provided, single submitter. Criteria: ICSL Variant Classification Criteria 13 December 2019. Collection method: clinical testing. Allele origin: germline.
Comment: This variant was observed in the ICSL laboratory as part of a predisposition screen in an ostensibly healthy population. It had not been previously curated by ICSL or reported in the Human Gene Mutation Database (HGMD: prior to June 1st, 2018), and was therefore a candidate for classification through an automated scoring system. Utilizing variant allele frequency, disease prevalence and penetrance estimates, and inheritance mode, an automated score was calculated to assess if this variant is too frequent to cause the disease. Based on the score and internal cut-off values, a variant classified as benign is not then subjected to further curation. The score for this variant resulted in a classification of benign for this disease.

Illumina Laboratory Services, Illumina
Classification: Benign for Familial juvenile hyperuricemic nephropathy type 2. Last evaluated: 2018-01-12. Review status: criteria provided, single submitter. Criteria: ICSL Variant Classification Criteria 13 December 2019. Collection method: clinical testing. Allele origin: germline.
Comment: the same text as in the submission from Illumina Laboratory Services, Illumina above.

Breakthrough Genomics
Classification: Benign. Review status: criteria provided, single submitter. Criteria: ACMG Guidelines, 2015. Collection method: not provided. Allele origin: germline. Inheritance: Autosomal recessive inheritance. Affected: yes.

NM_000537.4(REN):c.9A>T (p.Gly3=)

Genes: REN (renin; minus strand), LOC107548112 (REN promoter and enhancer region; plus strand). Cytogenetic location: 1q32.1.
Variant type: single nucleotide variant.
Coding change: c.9A>T on transcript NM_000537.4 (MANE Select); coding-DNA position 9, A replaced by T.
Protein change: p.Gly3=; no amino-acid change (glycine 3 retained).
Molecular consequence: synonymous variant.
Genome position (GRCh38, 1-based): chr1:204,166,285, T>A on the plus strand (A>T on the coding strand, the complement: REN is on the minus strand). VCF-style: chr1-204166285-T-A. GRCh37 (hg19) VCF-style: chr1-204135413-T-A.
Other names: p.Gly3=.
Identifiers: ClinVar variation 294965 (VCV000294965.17), dbSNP rs5704, ClinGen allele CA1345093.